The following is an entry in ClinVar:

ClinVar aggregate classification (germline): Pathogenic (1 of 4 stars; one submission).

Conditions:
Hypotonia, infantile, with psychomotor retardation and characteristic facies 3 (IHPRF3). Also called: TBCK-Related Neurodevelopmental Disorder. Identifiers: Orphanet 488632, MedGen C5567480, MONDO:0014823, OMIM 616900.

Submission:

Women's Health and Genetics/Laboratory Corporation of America, LabCorp
Classification: Pathogenic for Hypotonia, infantile, with psychomotor retardation and characteristic facies 3. Last evaluated: 2024-12-30. Review status: criteria provided, single submitter. Criteria: LabCorp Variant Classification Summary - May 2015. Collection method: clinical testing. Allele origin: germline.
Comment: Variant summary: The variant involves the deletion of exon 23 in the TBCK gene. A presumed nomenclature of c.(2059+1_2060-1)_(2235+1_2236-1)del has been designated for the purposes of this classification. This Copy Number Variant (CNV) is expected to alter the reading frame and predicted to result in a truncation or absence of the encoded protein due to nonsense mediated decay (NMD). The variant allele was found at a frequency of 9.2e-05 in 21694 control chromosomes. c.(2059+1_2060-1)_(2235+1_2236-1)del has not been reported in the literature but a similar deletion variant encompassing the exon 23 has been reported in a homozygous individual affected with Hypotonia, Infantile, With Psychomotor Retardation And Characteristic Facies 3 (Sumathipala_2019). These data indicate that the variant very likely to be associated with disease. To our knowledge, no experimental evidence demonstrating an impact on protein function has been reported. The following publication have been ascertained in the context of this evaluation (PMID: 30898414). ClinVar contains an entry for this variant (Variation ID: 978028, 1068725). Based on the evidence outlined above, the variant was classified as pathogenic.

Literature cited by the submitters: PubMed 30898414.

NC_000004.11:g.(107037536_107092251)_(107092428_107114765)del

Gene: TBCK (TBC1 domain containing kinase; minus strand). Cytogenetic location: 4q24.
Variant type: Deletion.
Identifiers: ClinVar variation 3768506 (VCV003768506.1).